The following is an entry in ClinVar:

ClinVar aggregate classification (germline): Benign/Likely benign. Review status: criteria provided, multiple submitters, no conflicts (2 of 4 stars). 7 submissions from 6 submitters: Benign (2); Likely benign (3). 2 of the submissions do not count toward it. Last evaluated 2025-11-27.

Conditions:
Retinitis pigmentosa (RP). Identifiers: Orphanet 791, MedGen C0035334, MeSH D012174, MONDO:0019200, OMIM 268000. Inheritance: Autosomal dominant, autosomal recessive and X linked inheritance.
Congenital stationary night blindness autosomal dominant 1. Also called: NIGHT BLINDNESS, CONGENITAL STATIONARY, RHODOPSIN-RELATED. Identifiers: Orphanet 215, MedGen C1864869, MONDO:0012498, OMIM 610445.

Allele frequency attached by ClinVar (database versions not stated): ESP Exome Variant Server 0.00023; gnomAD 0.00029 and 0.00040; TOPMed 0.00036; gnomAD exomes 0.00052 and 0.00065; ExAC 0.00080.
gnomAD v4.1: 826 of 1,613,884 alleles (0.051%); highest among the groups gnomAD compares: Middle Eastern, 0.45%; 2 homozygotes.

Submissions (7):

Labcorp Genetics (formerly Invitae), Labcorp
Classification: Benign. Last evaluated: 2025-11-27. Review status: criteria provided, single submitter. Criteria: Invitae Variant Classification Sherloc (09022015). Collection method: clinical testing. Allele origin: germline.

Blueprint Genetics
Classification: Likely benign. Last evaluated: 2024-11-26. Review status: criteria provided, single submitter. Criteria: ACMG Guidelines, 2015. Collection method: clinical testing. Allele origin: germline.

CeGaT Center for Human Genetics Tuebingen
Classification: Likely benign. Last evaluated: 2024-02-01. Review status: criteria provided, single submitter. Criteria: CeGaT Center For Human Genetics Tuebingen Variant Classification Criteria Version 2. Collection method: clinical testing. Allele origin: germline. Affected: yes. Observed: 1 variant allele.
Comment: RHO: BP4, BP7

Illumina Laboratory Services, Illumina
Classification: Benign for Congenital stationary night blindness autosomal dominant 1. Last evaluated: 2018-01-13. Review status: criteria provided, single submitter. Criteria: ICSL Variant Classification Criteria 13 December 2019. Collection method: clinical testing. Allele origin: germline.
Comment: This variant was observed in the ICSL laboratory as part of a predisposition screen in an ostensibly healthy population. It had not been previously curated by ICSL or reported in the Human Gene Mutation Database (HGMD: prior to June 1st, 2018), and was therefore a candidate for classification through an automated scoring system. Utilizing variant allele frequency, disease prevalence and penetrance estimates, and inheritance mode, an automated score was calculated to assess if this variant is too frequent to cause the disease. Based on the score and internal cut-off values, a variant classified as benign is not then subjected to further curation. The score for this variant resulted in a classification of benign for this disease.

Illumina Laboratory Services, Illumina
Classification: Likely benign for Retinitis pigmentosa. Last evaluated: 2018-01-13. Review status: criteria provided, single submitter. Criteria: ICSL Variant Classification Criteria 13 December 2019. Collection method: clinical testing. Allele origin: germline.
Comment: This variant was observed in the ICSL laboratory as part of a predisposition screen in an ostensibly healthy population. It had not been previously curated by ICSL or reported in the Human Gene Mutation Database (HGMD: prior to June 1st, 2018), and was therefore a candidate for classification through an automated scoring system. Utilizing variant allele frequency, disease prevalence and penetrance estimates, and inheritance mode, an automated score was calculated to assess if this variant is too frequent to cause the disease. Based on the score and internal cut-off values, a variant classified as likely benign is not then subjected to further curation. The score for this variant resulted in a classification of likely benign for this disease.

Clinical Genetics DNA and cytogenetics Diagnostics Lab, Erasmus MC, Erasmus Medical Center
Classification: Likely benign. Review status: no assertion criteria provided. Collection method: clinical testing. Allele origin: germline. Affected: yes. Study: VKGL Data-share Consensus. Not counted in ClinVar's aggregate classification.

Clinical Genetics, Academic Medical Center
Classification: Likely benign. Review status: no assertion criteria provided. Collection method: clinical testing. Allele origin: germline. Affected: yes. Study: VKGL Data-share Consensus. Not counted in ClinVar's aggregate classification.

NM_000539.3(RHO):c.519C>T (p.Ala173=)

Gene: RHO (rhodopsin; plus strand). Cytogenetic location: 3q22.1.
Variant type: single nucleotide variant.
Coding change: c.519C>T on transcript NM_000539.3 (MANE Select); coding-DNA position 519, C replaced by T.
Protein change: p.Ala173=; no amino-acid change (alanine 173 retained).
Molecular consequence: synonymous variant.
Genome position (GRCh38, 1-based): chr3:129,531,033, C>T. VCF-style: chr3-129531033-C-T. GRCh37 (hg19) VCF-style: chr3-129249876-C-T.
Identifiers: ClinVar variation 737420 (VCV000737420.39), dbSNP rs149722668, ClinGen allele CA2607181.